The following is an entry in ClinVar:

ClinVar aggregate classification (germline): Benign/Likely benign. Review status: criteria provided, multiple submitters, no conflicts (2 of 4 stars). 5 submissions from 5 submitters: Benign (1); Likely benign (4). Last evaluated 2025-12-21.

Conditions:
Rafiq syndrome (RAFQS). Identifiers: Orphanet 88616, MedGen C3280127, MONDO:0013624, OMIM 614202.

Allele frequency attached by ClinVar (database versions not stated): 1000 Genomes Project 0.00040; 1000 Genomes Project 30x 0.00047; TOPMed 0.00280; gnomAD 0.00293 and 0.00303; gnomAD exomes 0.00306 and 0.00500; ExAC 0.00355; ESP Exome Variant Server 0.00461.
gnomAD v4.1: 7,632 of 1,613,260 alleles (0.47%); highest among the groups gnomAD compares: Non-Finnish European, 0.61%; 21 homozygotes.

Submissions (5):

Labcorp Genetics (formerly Invitae), Labcorp
Classification: Benign for Rafiq syndrome. Last evaluated: 2025-12-21. Review status: criteria provided, single submitter. Criteria: Invitae Variant Classification Sherloc (09022015). Collection method: clinical testing. Allele origin: germline.

CeGaT Center for Human Genetics Tuebingen
Classification: Likely benign. Last evaluated: 2025-11-01. Review status: criteria provided, single submitter. Criteria: CeGaT Center For Human Genetics Tuebingen Variant Classification Criteria Version 2. Collection method: clinical testing. Allele origin: germline. Affected: yes. Observed: 6 variant alleles.
Comment: MAN1B1: BS2

Blueprint Genetics
Classification: Likely benign. Last evaluated: 2024-11-22. Review status: criteria provided, single submitter. Criteria: ACMG Guidelines, 2015. Collection method: clinical testing. Allele origin: germline.

GeneDx
Classification: Likely benign. Last evaluated: 2021-05-06. Review status: criteria provided, single submitter. Criteria: GeneDx Variant Classification Process June 2021. Collection method: clinical testing. Allele origin: germline. Affected: yes.

Breakthrough Genomics
Classification: Likely benign. Review status: criteria provided, single submitter. Criteria: ACMG Guidelines, 2015. Collection method: not provided. Allele origin: germline. Inheritance: Autosomal recessive inheritance. Affected: yes.

NM_016219.5(MAN1B1):c.1065+16T>A

Gene: MAN1B1 (mannosidase alpha class 1B member 1; plus strand). Cytogenetic location: 9q34.3.
Variant type: single nucleotide variant.
Coding change: c.1065+16T>A on transcript NM_016219.5 (MANE Select); 16 bases into the intron after coding-DNA position 1065, T replaced by A.
Molecular consequence: intron variant.
Genome position (GRCh38, 1-based): chr9:137,101,169, T>A. VCF-style: chr9-137101169-T-A. GRCh37 (hg19) VCF-style: chr9-139995621-T-A.
Identifiers: ClinVar variation 1326755 (VCV001326755.34), dbSNP rs200957986, ClinGen allele CA5358886.